The following is an entry in ClinVar:

ClinVar aggregate classification (germline): Uncertain significance. Review status: criteria provided, multiple submitters, no conflicts (2 of 4 stars). 2 submissions from 2 submitters: Uncertain significance (2). Last evaluated 2023-12-13.

Conditions:
Carnitine palmitoyl transferase 1A deficiency. Also called: CPT deficiency, hepatic, type IA; Carnitine palmitoyltransferase 1A deficiency; Carnitine palmitoyltransferase type I deficiency; CPT I DEFICIENCY; CPT DEFICIENCY, HEPATIC, TYPE I. Identifiers: Orphanet 156, MedGen C1829703, MONDO:0009705, OMIM 255120.

Allele frequency attached by ClinVar (database versions not stated): gnomAD exomes below 0.00001; gnomAD 0.00001; TOPMed 0.00002.
gnomAD v4.1: 8 of 1,614,018 alleles (0.0005%); highest among the groups gnomAD compares: South Asian, 0.0011%; no homozygotes.

Submissions (2):

Mayo Clinic Laboratories, Mayo Clinic
Classification: Uncertain significance. Last evaluated: 2023-12-13. Review status: criteria provided, single submitter. Criteria: ACMG Guidelines, 2015. Collection method: clinical testing. Allele origin: germline. Observed: 1 variant allele.
Comment: PM2_moderate

Centre for Mendelian Genomics, University Medical Centre Ljubljana
Classification: Uncertain significance for Carnitine palmitoyl transferase 1A deficiency. Last evaluated: 2019-08-29. Review status: criteria provided, single submitter. Criteria: ACMG Guidelines, 2015. Collection method: clinical testing. Allele origin: unknown. Affected: yes.
Comment: This variant was classified as: Uncertain significance. The available evidence on this variant's pathogenicity is insufficient or conflicting. The following ACMG criteria were applied in classifying this variant: PM2,PP3.

NM_001876.4(CPT1A):c.421G>A (p.Gly141Ser)

Gene: CPT1A (carnitine palmitoyltransferase 1A; minus strand). Cytogenetic location: 11q13.3.
Variant type: single nucleotide variant.
Coding change: c.421G>A on transcript NM_001876.4 (MANE Select); coding-DNA position 421, G replaced by A.
Protein change: p.Gly141Ser; replaces glycine 141 with serine.
Molecular consequence: missense variant.
Genome position (GRCh38, 1-based): chr11:68,807,499, C>T on the plus strand (G>A on the coding strand, the complement: CPT1A is on the minus strand). VCF-style: chr11-68807499-C-T. GRCh37 (hg19) VCF-style: chr11-68574967-C-T.
Other names: p.Gly141Ser; c.421G>A, p.Gly141Ser (NM_001031847.3); short protein forms G141S.
Identifiers: ClinVar variation 930796 (VCV000930796.4), dbSNP rs1309112630, ClinGen allele CA381636609.